The following is an entry in ClinVar:

ClinVar aggregate classification (germline): Uncertain significance. Review status: criteria provided, multiple submitters, no conflicts (2 of 4 stars). 2 submissions from 2 submitters: Uncertain significance (2). Last evaluated 2025-06-17.

Conditions:
Inborn genetic diseases. Identifiers: MedGen C0950123, MeSH D030342.

Allele frequency attached by ClinVar (database versions not stated): gnomAD exomes below 0.00001.
gnomAD v4.1: 3 of 1,207,160 alleles (0.00025%); highest among the groups gnomAD compares: Admixed American, 0.0065%; no homozygotes.

Submissions (2):

Labcorp Genetics (formerly Invitae), Labcorp
Classification: Uncertain significance. Last evaluated: 2025-06-17. Review status: criteria provided, single submitter. Criteria: Invitae Variant Classification Sherloc (09022015). Collection method: clinical testing. Allele origin: germline.
Comment: This sequence change replaces glutamic acid, which is acidic and polar, with aspartic acid, which is acidic and polar, at codon 87 of the SMPX protein (p.Glu87Asp). This variant is not present in population databases (gnomAD no frequency). This variant has not been reported in the literature in individuals affected with SMPX-related conditions. ClinVar contains an entry for this variant (Variation ID: 2386251). An algorithm developed to predict the effect of missense changes on protein structure and function (PolyPhen-2) suggests that this variant is likely to be tolerated. In summary, the available evidence is currently insufficient to determine the role of this variant in disease. Therefore, it has been classified as a Variant of Uncertain Significance.

Ambry Genetics
Classification: Uncertain significance for Inborn genetic diseases. Last evaluated: 2022-06-30. Review status: criteria provided, single submitter. Criteria: Ambry Variant Classification Scheme 2023. Collection method: clinical testing. Allele origin: germline.

NM_014332.3(SMPX):c.261A>T (p.Glu87Asp)

Gene: SMPX (small muscle protein X-linked; minus strand). Cytogenetic location: Xp22.12.
Variant type: single nucleotide variant.
Coding change: c.261A>T on transcript NM_014332.3 (MANE Select); coding-DNA position 261, A replaced by T.
Protein change: p.Glu87Asp; replaces glutamic acid 87 with aspartic acid.
Molecular consequence: missense variant. On other transcripts: non-coding transcript variant (1).
Genome position (GRCh38, 1-based): chrX:21,737,569, T>A on the plus strand (A>T on the coding strand, the complement: SMPX is on the minus strand). VCF-style: chrX-21737569-T-A. GRCh37 (hg19) VCF-style: chrX-21755687-T-A.
Other names: short protein forms E87D.
Identifiers: ClinVar variation 2386251 (VCV002386251.5), dbSNP rs2519503785, ClinGen allele CA412562179.